The following is an entry in ClinVar:

NC_000017.10:g.(?_41275982)_(41277500_?)dup

Gene: BRCA1 (BRCA1 DNA repair associated; minus strand). Cytogenetic location: 17q21.31.
Variant type: Duplication.
Identifiers: ClinVar variation 3243001 (VCV003243001.1).

ClinVar aggregate classification (germline): Uncertain significance (1 of 4 stars; one submission).

Conditions:
Hereditary breast ovarian cancer syndrome. Also called: Hereditary breast and ovarian cancer syndrome; Hereditary breast and ovarian cancer; Hereditary breast and ovarian cancer syndrome (HBOC); Breast and ovarian cancer; Hereditary breast and/or ovarian cancer syndrome; BRCA1- and BRCA2-Associated Hereditary Breast and Ovarian Cancer. Identifiers: Orphanet 145, MedGen C0677776, MeSH D061325, MONDO:0003582. Disease mechanism: loss of function.

Submission:

Labcorp Genetics (formerly Invitae), Labcorp
Classification: Uncertain significance for Hereditary breast ovarian cancer syndrome. Last evaluated: 2024-01-25. Review status: criteria provided, single submitter. Criteria: Invitae Variant Classification Sherloc (09022015). Collection method: clinical testing. Allele origin: unknown.
Comment: This variant results in a copy number gain of the genomic region encompassing exon(s) 1-2 of the BRCA1 gene. This region includes the initiator codon of the gene. This copy number gain extends beyond the assayed region for this gene and therefore may encompass additional genes. As the precise location of this event is unknown, it may be in tandem or it may be located elsewhere in the genome. A similar copy number variant has been observed in individual(s) with breast and ovarian cancer (PMID: 19894111, 23996866, 24686251, 36147908). In summary, the available evidence is currently insufficient to determine the role of this variant in disease. Therefore, it has been classified as a Variant of Uncertain Significance.

Literature cited by the submitters: PubMed 19894111; PubMed 23996866; PubMed 24686251; PubMed 36147908.